The following is an entry in ClinVar:

NM_001845.6(COL4A1):c.1466-1G>C

Gene: COL4A1 (collagen type IV alpha 1 chain; minus strand). Cytogenetic location: 13q34.
Variant type: single nucleotide variant.
Coding change: c.1466-1G>C on transcript NM_001845.6 (MANE Select); the canonical splice acceptor site of the intron before coding-DNA position 1466, G replaced by C.
Molecular consequence: splice acceptor variant.
Genome position (GRCh38, 1-based): chr13:110,192,285, C>G on the plus strand (G>C on the coding strand, the complement: COL4A1 is on the minus strand). VCF-style: chr13-110192285-C-G. GRCh37 (hg19) VCF-style: chr13-110844632-C-G.
Other names: c.1466-1G>C (NM_001303110.2).
Identifiers: ClinVar variation 2724594 (VCV002724594.8), dbSNP rs201606177, ClinGen allele CA256269199.

ClinVar aggregate classification (germline): Conflicting classifications of pathogenicity. Review status: criteria provided, conflicting classifications (1 of 4 stars). 6 submissions from 6 submitters: Likely pathogenic (5); Uncertain significance (1). Last evaluated 2026-08-17.

Conditions:
Brain small vessel disease 1 with or without ocular anomalies (BSVD1). Also called: Brain small vessel disease with or without ocular anomalies; GOULD SYNDROME 1; BRAIN SMALL VESSEL DISEASE WITH HEMORRHAGE; PORENCEPHALY, TYPE 1, AUTOSOMAL DOMINANT. Identifiers: Orphanet 2940, Orphanet 36383, Orphanet 99810, MedGen C4755307, MONDO:0008289, OMIM 175780.
Hemorrhage, intracerebral, susceptibility to (ICH). Also called: Stroke, hemorrhagic, susceptibility to. Identifiers: MedGen C3281105, MONDO:0100533, OMIM 614519.
Retinal arterial tortuosity. Also called: Retinal arteries, tortuosity of; RETINAL HEMORRHAGE WITH VASCULAR TORTUOSITY. Identifiers: Orphanet 75326, MedGen C0423401, MONDO:0008373, OMIM 180000, HP:0000631.
Autosomal dominant familial hematuria-retinal arteriolar tortuosity-contractures syndrome. Also called: Angiopathy, hereditary, with nephropathy, aneurysms, and muscle cramps; Hereditary Angiopathy with Nephropathy, Aneurysms, and Muscle Cramps (HANAC) Syndrome. Identifiers: Orphanet 73229, MedGen C2673195, MONDO:0012726, OMIM 611773.
Microangiopathy and leukoencephalopathy, pontine, autosomal dominant. Also called: DEMENTIA, HEREDITARY MULTI-INFARCT, SWEDISH TYPE; Pontine autosomal dominant microangiopathy with leukoencephalopathy. Identifiers: Orphanet 477749, MedGen C5231411, MONDO:0032814, OMIM 618564.

gnomAD v4.1: 25 of 1,614,030 alleles (0.0015%); highest among the groups gnomAD compares: Non-Finnish European, 0.0019%; no homozygotes.

Submissions (6):

GeneDx
Classification: Likely pathogenic. Last evaluated: 2026-08-17. Review status: criteria provided, single submitter. Criteria: GeneDx Variant Classification Process June 2021. Collection method: clinical testing. Allele origin: germline.
Comment: Identified in a patient with fusiform dilation of the ascending thoracic aorta, hearing loss, adrenal and pulmonary nodules, mild splenomegaly, and gallstones in the published literature (PMID: 41514066); Not observed at significant frequency in large population cohorts (gnomAD); Canonical splice site variant predicted to result in a null allele in a gene for which loss of function is a known mechanism of disease; This variant is associated with the following publications: (PMID: 41514066)

Labcorp Genetics (formerly Invitae), Labcorp
Classification: Likely pathogenic. Last evaluated: 2024-12-18. Review status: criteria provided, single submitter. Criteria: Invitae Variant Classification Sherloc (09022015). Collection method: clinical testing. Allele origin: germline.
Comment: This sequence change affects an acceptor splice site in intron 23 of the COL4A1 gene. It is expected to disrupt RNA splicing. Variants that disrupt the donor or acceptor splice site typically lead to a loss of protein function (PMID: 16199547), and loss-of-function variants in COL4A1 are known to be pathogenic (PMID: 23225343). This variant is not present in population databases (gnomAD no frequency). This variant has not been reported in the literature in individuals affected with COL4A1-related conditions. ClinVar contains an entry for this variant (Variation ID: 2724594). Algorithms developed to predict the effect of sequence changes on RNA splicing suggest that this variant may disrupt the consensus splice site. In summary, the currently available evidence indicates that the variant is pathogenic, but additional data are needed to prove that conclusively. Therefore, this variant has been classified as Likely Pathogenic.

Revvity Omics, Revvity
Classification: Likely pathogenic. Last evaluated: 2024-12-13. Review status: criteria provided, single submitter. Criteria: ACMG Guidelines, 2015. Collection method: clinical testing. Allele origin: germline.

Mayo Clinic Laboratories, Mayo Clinic
Classification: Likely pathogenic. Last evaluated: 2024-05-29. Review status: criteria provided, single submitter. Criteria: ACMG Guidelines, 2015. Collection method: clinical testing. Allele origin: germline. Observed: 1 variant allele.
Comment: PM2, PVS1

Fulgent Genetics
Classification: Likely pathogenic for Brain small vessel disease 1 with or without ocular anomalies; Retinal arterial tortuosity; Autosomal dominant familial hematuria-retinal arteriolar tortuosity-contractures syndrome; Hemorrhage, intracerebral, susceptibility to; Microangiopathy and leukoencephalopathy, pontine, autosomal dominant. Last evaluated: 2024-04-16. Review status: criteria provided, single submitter. Criteria: ACMG Guidelines, 2015. Collection method: clinical testing. Allele origin: germline.

Blueprint Genetics
Classification: Uncertain significance. Last evaluated: 2022-07-22. Review status: criteria provided, single submitter. Criteria: ACMG Guidelines, 2015. Collection method: clinical testing. Allele origin: germline.

Literature cited by the submitters: PubMed 16199547 (cited by Labcorp Genetics (formerly Invitae), Labcorp); PubMed 23225343 (cited by Labcorp Genetics (formerly Invitae), Labcorp); PubMed 27794444 (cited by Mayo Clinic Laboratories, Mayo Clinic).